The following is an entry in ClinVar:

ClinVar aggregate classification (germline): Uncertain significance. Review status: criteria provided, single submitter (1 of 4 stars). 2 submissions from 2 submitters: Uncertain significance (1). 1 of the submissions does not count toward it. Last evaluated 2026-06-23.

Conditions:
Retinal dystrophy. Also called: Inherited retinal dystrophy. Identifiers: Orphanet 71862, MedGen C0854723, MeSH D058499, MONDO:0019118, HP:0000556.

Submissions (2):

Women's Health and Genetics/Laboratory Corporation of America, LabCorp
Classification: Uncertain significance. Last evaluated: 2026-06-23. Review status: criteria provided, single submitter. Criteria: LabCorp Variant Classification Summary - May 2015. Collection method: clinical testing. Allele origin: germline.
Comment: Variant summary: SEMA6B c.1444C>T (p.Arg482Trp) results in a non-conservative amino acid change in the encoded protein sequence. Algorithms developed to predict the effect of missense changes on protein structure and function are either unavailable or do not agree on the potential impact of this missense change. The variant allele was found at a frequency of 4e-06 in 250560 control chromosomes. The available data on variant occurrences in the general population are insufficient to allow any conclusion about variant significance. To our knowledge, no occurrence of c.1444C>T in individuals affected with SEMA6B-related conditions and no experimental evidence demonstrating its impact on protein function have been reported. ClinVar contains an entry for this variant (Variation ID: 3249213). Based on the evidence outlined above, the variant was classified as uncertain significance.

Institute of Human Genetics, Univ. Regensburg, Univ. Regensburg
Classification: Uncertain significance for Retinal dystrophy. Last evaluated: 2022-01-01. Review status: no assertion criteria provided. Criteria: ACMG Guidelines, 2015. Collection method: clinical testing. Allele origin: germline. Affected: yes. Not counted in ClinVar's aggregate classification.

NM_032108.4(SEMA6B):c.1444C>T (p.Arg482Trp)

Gene: SEMA6B (semaphorin 6B; minus strand). Cytogenetic location: 19p13.3.
Variant type: single nucleotide variant.
Coding change: c.1444C>T on transcript NM_032108.4 (MANE Select); coding-DNA position 1444, C replaced by T.
Protein change: p.Arg482Trp; replaces arginine 482 with tryptophan.
Molecular consequence: missense variant.
Genome position (GRCh38, 1-based): chr19:4,548,273, G>A on the plus strand (C>T on the coding strand, the complement: SEMA6B is on the minus strand). VCF-style: chr19-4548273-G-A. GRCh37 (hg19) VCF-style: chr19-4548285-G-A.
Other names: short protein forms R482W.
Identifiers: ClinVar variation 3249213 (VCV003249213.2).